The following is an entry in ClinVar:

ClinVar aggregate classification (germline): Likely pathogenic (1 of 4 stars; one submission).

Conditions:
Mucopolysaccharidosis, MPS-III-D (MPS3D). Also called: N-ACETYLGLUCOSAMINE-6-SULFATASE DEFICIENCY; SANFILIPPO SYNDROME D; MPS III D; Mucopoly-saccharidosis type 3D; N-acetylglucosamine-6-sulfate sulfatase deficiency; MPS 3D. Identifiers: Orphanet 581, Orphanet 79272, MedGen C0086650, MONDO:0009658, OMIM 252940.

Submission:

Labcorp Genetics (formerly Invitae), Labcorp
Classification: Likely pathogenic for Mucopolysaccharidosis, MPS-III-D. Last evaluated: 2023-12-25. Review status: criteria provided, single submitter. Criteria: Invitae Variant Classification Sherloc (09022015). Collection method: clinical testing. Allele origin: germline.
Comment: This sequence change affects an acceptor splice site in intron 5 of the GNS gene. It is expected to disrupt RNA splicing. Variants that disrupt the donor or acceptor splice site typically lead to a loss of protein function (PMID: 16199547), and loss-of-function variants in GNS are known to be pathogenic (PMID: 20232353). This variant is not present in population databases (gnomAD no frequency). This variant has not been reported in the literature in individuals affected with GNS-related conditions. Algorithms developed to predict the effect of sequence changes on RNA splicing suggest that this variant may disrupt the consensus splice site. In summary, the currently available evidence indicates that the variant is pathogenic, but additional data are needed to prove that conclusively. Therefore, this variant has been classified as Likely Pathogenic.

Literature cited by the submitters: PubMed 16199547; PubMed 20232353.

NM_002076.4(GNS):c.625-1G>A

Gene: GNS (glucosamine (N-acetyl)-6-sulfatase; minus strand). Cytogenetic location: 12q14.3.
Variant type: single nucleotide variant.
Coding change: c.625-1G>A on transcript NM_002076.4 (MANE Select); the canonical splice acceptor site of the intron before coding-DNA position 625, G replaced by A.
Molecular consequence: splice acceptor variant.
Genome position (GRCh38, 1-based): chr12:64,743,309, C>T on the plus strand (G>A on the coding strand, the complement: GNS is on the minus strand). VCF-style: chr12-64743309-C-T. GRCh37 (hg19) VCF-style: chr12-65137089-C-T.
Identifiers: ClinVar variation 2741491 (VCV002741491.3), dbSNP rs2539523804, ClinGen allele CA385609400.